The following is an entry in ClinVar:

ClinVar aggregate classification (germline): Pathogenic/Likely pathogenic. Review status: criteria provided, multiple submitters, no conflicts (2 of 4 stars). 5 submissions from 5 submitters: Pathogenic (1); Likely pathogenic (3). 1 of the submissions does not count toward it. Last evaluated 2026-07-26.

Conditions:
Camptodactyly-tall stature-scoliosis-hearing loss syndrome. Also called: CATSHL SYNDROME. Identifiers: Orphanet 85164, MedGen C1864852, MONDO:0012504, OMIM 610474.
Craniosynostosis, nonspecific.
FGFR3-related chondrodysplasia. Identifiers: Orphanet 93420, MedGen C5681604, MONDO:0019685.

Allele frequency attached by ClinVar (database versions not stated): gnomAD 0.00001; TOPMed 0.00001.
gnomAD v4.1: 6 of 1,613,120 alleles (0.00037%); highest among the groups gnomAD compares: African/African-American, 0.0013%; no homozygotes.

Submissions (5):

GeneDx
Classification: Likely pathogenic. Last evaluated: 2026-07-26. Review status: criteria provided, single submitter. Criteria: GeneDx Variant Classification Process June 2021. Collection method: clinical testing. Allele origin: germline.
Comment: Observed in the apparent homozygous state in the published literature in a patient with hearing loss, camptodactyly, microcephaly, and flexion restriction of the third digit (PMID: 39498320); Not observed at significant frequency in large population cohorts (gnomAD); In silico analysis supports that this missense variant has a deleterious effect on protein structure/function; This variant is associated with the following publications: (PMID: 16091734, 39498320)

Genomenon, Inc
Classification: Likely pathogenic for FGFR3-related chondrodysplasia. Last evaluated: 2026-06-23. Review status: criteria provided, single submitter. Criteria: Genomenon Sequence Variant Interpretation Standards - Updated. Collection method: curation. Allele origin: germline. Affected: yes.
Comment: FGFR3 p.Asn540Asp (c.1618A>G) is a missense variant that changes the amino acid at codon 540 from Asparagine to Aspartic acid. This variant has been observed in at least one proband with an FGFR3-related disorder (PMID:39498320). This variant is located in a mutational hotspot and/or important functional domain. It is absent or not present at a significant frequency in gnomAD. In silico models predict that this variant is possibly or probably damaging. In conclusion, we classify FGFR3 p.Asn540Asp (c.1618A>G) as a likely pathogenic variant.

Labcorp Genetics (formerly Invitae), Labcorp
Classification: Likely pathogenic. Last evaluated: 2025-07-16. Review status: criteria provided, single submitter. Criteria: Invitae Variant Classification Sherloc (09022015). Collection method: clinical testing. Allele origin: germline.
Comment: This sequence change replaces asparagine, which is neutral and polar, with aspartic acid, which is acidic and polar, at codon 540 of the FGFR3 protein (p.Asn540Asp). This variant is present in population databases (no rsID available, gnomAD 0.0009%). This variant has not been reported in the literature in individuals affected with FGFR3-related conditions. ClinVar contains an entry for this variant (Variation ID: 374828). Invitae Evidence Modeling of protein sequence and biophysical properties (such as structural, functional, and spatial information, amino acid conservation, physicochemical variation, residue mobility, and thermodynamic stability) indicates that this missense variant is expected to disrupt FGFR3 protein function with a positive predictive value of 95%. This variant disrupts the p.Asn540 amino acid residue in FGFR3. Other variant(s) that disrupt this residue have been determined to be pathogenic (PMID: 10777366, 12707965, 23045425). This suggests that this residue is clinically significant, and that variants that disrupt this residue are likely to be disease-causing. In summary, the currently available evidence indicates that the variant is pathogenic, but additional data are needed to prove that conclusively. Therefore, this variant has been classified as Likely Pathogenic.

Laboratory of Human Genetics, Universidade de São Paulo
Classification: Pathogenic for Camptodactyly-tall stature-scoliosis-hearing loss syndrome. Last evaluated: 2024-05-01. Review status: criteria provided, single submitter. Criteria: ClinGen HL ACMG Specifications v1. Collection method: research. Allele origin: biparental. Affected: yes. Observed: 1 variant allele.
Comment: The FGFR3:NM_000142.4:c.1618A>G variant appeared in affected cases while extremely rare in population (PM2 met), OR, the prevalence of the variant in affected individuals is significantly increased compared to the prevalence in controls (PS4), has Extremely low frequency in gnomAD population databases (PM2), computational prediction tools unanimously support a deleterious effect on the gene (PP3), Different amino acid change as a known pathogenic variant (PM5), Non-truncating non-synonymous variant is located in a mutational hot spot and/or critical and well-established functional domain (PM1).

Genomic Diagnostic Laboratory, Division of Genomic Diagnostics, Children's Hospital of Philadelphia
Classification: Uncertain significance for Craniosynostosis, nonspecific. Last evaluated: 2016-10-20. Review status: flagged submission. Criteria: DGD Variant Analysis Guidelines. Collection method: clinical testing. Allele origin: germline. Affected: yes. Observed: 1 variant allele. Not counted in ClinVar's aggregate classification.
Comment: Clinical Testing
ClinVar note: Reason: Older claim that does not account for recent evidence

Literature cited by the submitters: PubMed 16091734 (cited by Genomenon, Inc); PubMed 39498320 (cited by Genomenon, Inc); PubMed 10777366 (cited by Labcorp Genetics (formerly Invitae), Labcorp); PubMed 12707965 (cited by Labcorp Genetics (formerly Invitae), Labcorp); PubMed 23045425 (cited by Labcorp Genetics (formerly Invitae), Labcorp).

NM_000142.5(FGFR3):c.1618A>G (p.Asn540Asp)

Gene: FGFR3 (fibroblast growth factor receptor 3; plus strand). Cytogenetic location: 4p16.3.
Variant type: single nucleotide variant.
Coding change: c.1618A>G on transcript NM_000142.5 (MANE Select); coding-DNA position 1618, A replaced by G.
Protein change: p.Asn540Asp; replaces asparagine 540 with aspartic acid.
Molecular consequence: missense variant. On other transcripts: non-coding transcript variant (1).
Genome position (GRCh38, 1-based): chr4:1,805,642, A>G. VCF-style: chr4-1805642-A-G. GRCh37 (hg19) VCF-style: chr4-1807369-A-G.
Other names: c.1624A>G, p.Asn542Asp (NM_001163213.2); c.1621A>G, p.Asn541Asp (NM_001354809.2, NM_001354810.2); c.1282A>G, p.Asn428Asp (NM_022965.4); short protein forms N540D, N542D, N428D, N541D.
Identifiers: ClinVar variation 374828 (VCV000374828.12), dbSNP rs1057519049, ClinGen allele CA16043904.